The following is an entry in ClinVar:

ClinVar aggregate classification (germline): Likely benign. Review status: criteria provided, multiple submitters, no conflicts (2 of 4 stars). 3 submissions from 3 submitters: Likely benign (3). Last evaluated 2023-10-04.

Conditions:
Cardiovascular phenotype. Identifiers: MedGen CN230736.
Hypertrophic cardiomyopathy 14. Identifiers: MedGen C2750467, MONDO:0013197, OMIM 613251.

gnomAD v4.1: 4 of 1,604,140 alleles (0.00025%); highest among the groups gnomAD compares: Admixed American, 0.0067%; no homozygotes.

Submissions (3):

Labcorp Genetics (formerly Invitae), Labcorp
Classification: Likely benign for Hypertrophic cardiomyopathy 14. Last evaluated: 2023-10-04. Review status: criteria provided, single submitter. Criteria: Invitae Variant Classification Sherloc (09022015). Collection method: clinical testing. Allele origin: germline.

Ambry Genetics
Classification: Likely benign for Cardiovascular phenotype. Last evaluated: 2018-04-13. Review status: criteria provided, single submitter. Criteria: Ambry Variant Classification Scheme 2023. Collection method: clinical testing. Allele origin: germline.

GeneDx
Classification: Likely benign. Last evaluated: 2017-11-09. Review status: criteria provided, single submitter. Criteria: GeneDx Variant Classification (06012015). Collection method: clinical testing. Allele origin: germline. Affected: yes.
Comment: This variant is considered likely benign or benign based on one or more of the following criteria: it is a conservative change, it occurs at a poorly conserved position in the protein, it is predicted to be benign by multiple in silico algorithms, and/or has population frequency not consistent with disease.

NM_002471.4(MYH6):c.3489C>A (p.Ile1163=)

Gene: MYH6 (myosin heavy chain 6; minus strand). Cytogenetic location: 14q11.2.
Variant type: single nucleotide variant.
Coding change: c.3489C>A on transcript NM_002471.4 (MANE Select); coding-DNA position 3489, C replaced by A.
Protein change: p.Ile1163=; no amino-acid change (isoleucine 1163 retained).
Molecular consequence: synonymous variant.
Genome position (GRCh38, 1-based): chr14:23,390,300, G>T on the plus strand (C>A on the coding strand, the complement: MYH6 is on the minus strand). VCF-style: chr14-23390300-G-T. GRCh37 (hg19) VCF-style: chr14-23859509-G-T.
Identifiers: ClinVar variation 513053 (VCV000513053.10), dbSNP rs764540332, ClinGen allele CA7115164.